The following is an entry in ClinVar:

ClinVar aggregate classification (germline): Likely benign. Review status: criteria provided, multiple submitters, no conflicts (2 of 4 stars). 2 submissions from 2 submitters: Likely benign (2). Last evaluated 2025-11-01.

Conditions:
Inborn genetic diseases. Identifiers: MedGen C0950123, MeSH D030342.

gnomAD v4.1: 124 of 1,613,748 alleles (0.0077%); highest among the groups gnomAD compares: Non-Finnish European, 0.01%; no homozygotes.

Submissions (2):

CeGaT Center for Human Genetics Tuebingen
Classification: Likely benign. Last evaluated: 2025-11-01. Review status: criteria provided, single submitter. Criteria: CeGaT Center For Human Genetics Tuebingen Variant Classification Criteria Version 2. Collection method: clinical testing. Allele origin: germline. Affected: yes. Observed: 1 variant allele.
Comment: CHAMP1: BS2

Ambry Genetics
Classification: Likely benign for Inborn genetic diseases. Last evaluated: 2023-03-27. Review status: criteria provided, single submitter. Criteria: Ambry Variant Classification Scheme 2023. Collection method: clinical testing. Allele origin: germline.

NM_032436.4(CHAMP1):c.916G>C (p.Ala306Pro)

Gene: CHAMP1 (chromosome alignment maintaining phosphoprotein 1; plus strand). Cytogenetic location: 13q34.
Variant type: single nucleotide variant.
Coding change: c.916G>C on transcript NM_032436.4 (MANE Select); coding-DNA position 916, G replaced by C.
Protein change: p.Ala306Pro; replaces alanine 306 with proline.
Molecular consequence: missense variant.
Genome position (GRCh38, 1-based): chr13:114,324,758, G>C. VCF-style: chr13-114324758-G-C. GRCh37 (hg19) VCF-style: chr13-115090233-G-C.
Other names: c.916G>C, p.Ala306Pro (NM_001164144.3, NM_001164145.3); short protein forms A306P.
Identifiers: ClinVar variation 2520771 (VCV002520771.8), dbSNP rs781962408, ClinGen allele CA7070716.